The following is an entry in ClinVar:

ClinVar aggregate classification (germline): Uncertain significance. Review status: criteria provided, multiple submitters, no conflicts (2 of 4 stars). 2 submissions from 2 submitters: Uncertain significance (2). Last evaluated 2023-02-09.

Conditions:
Bethlem myopathy 1A. Also called: MYOPATHY, BENIGN CONGENITAL, WITH CONTRACTURES; Bethlem myopathy 1; Bethlem Muscular Dystrophy. Identifiers: Orphanet 610, MedGen CN029274, MONDO:0024530, OMIM 158810.

Submissions (2):

GeneDx
Classification: Uncertain significance. Last evaluated: 2023-02-09. Review status: criteria provided, single submitter. Criteria: GeneDx Variant Classification Process June 2021. Collection method: clinical testing. Allele origin: germline. Affected: yes.
Comment: Not observed at significant frequency in large population cohorts (gnomAD); In-frame deletion of 3 amino acids in a non-repeat region; In silico analysis supports that this variant does not alter protein structure/function; Has not been previously published as pathogenic or benign to our knowledge

Labcorp Genetics (formerly Invitae), Labcorp
Classification: Uncertain significance for Bethlem myopathy 1A. Last evaluated: 2022-12-23. Review status: criteria provided, single submitter. Criteria: Invitae Variant Classification Sherloc (09022015). Collection method: clinical testing. Allele origin: germline.
Comment: In summary, the available evidence is currently insufficient to determine the role of this variant in disease. Therefore, it has been classified as a Variant of Uncertain Significance. Experimental studies and prediction algorithms are not available or were not evaluated, and the functional significance of this variant is currently unknown. This variant has not been reported in the literature in individuals affected with COL6A1-related conditions. This variant is not present in population databases (gnomAD no frequency). This variant, c.1963_1971del, results in the deletion of 3 amino acid(s) of the COL6A1 protein (p.Pro655_Gln657del), but otherwise preserves the integrity of the reading frame.

NM_001848.3(COL6A1):c.1963_1971del (p.Pro655_Gln657del)

Gene: COL6A1 (collagen type VI alpha 1 chain; plus strand). Cytogenetic location: 21q22.3.
Variant type: Deletion.
Coding change: c.1963_1971del on transcript NM_001848.3 (MANE Select); coding-DNA positions 1963 to 1971, 9 bases deleted (CCAGGGCAG; older notation c.1963_1971delCCAGGGCAG).
Protein change: p.Pro655_Gln657del.
Molecular consequence: inframe deletion. On other transcripts: inframe indel (1).
Genome position (GRCh38, 1-based): chr21:46,001,967-46,001,975, CCAGGGCAG deleted; deleting any 9 consecutive bases within chr21:46,001,965-46,001,975 gives the same sequence; the c. name uses the placement nearest the transcript's 3' end. VCF-style (leftmost placement, unchanged base first): chr21-46001964-GAGCCAGGGC-G. GRCh37 (hg19) VCF-style: chr21-47421878-GAGCCAGGGC-G.
Other names: c.1963_1971del (NM_001848.2); c.1963_1971delCCAGGGCAG, p.Pro655_Gln657del (NM_001848.2).
Identifiers: ClinVar variation 2128892 (VCV002128892.5), dbSNP rs2526349263, ClinGen allele CA2573334472.